The following is an entry in ClinVar:

ClinVar aggregate classification (germline): Uncertain significance (1 of 4 stars; one submission).

Conditions:
Pulmonary hypertension, primary, 2. Identifiers: Orphanet 422, MedGen C3888002, MONDO:0014134, OMIM 615342.

gnomAD v4.1: 25 of 1,613,936 alleles (0.0015%); highest among the groups gnomAD compares: South Asian, 0.0033%; no homozygotes.

Submission:

Labcorp Genetics (formerly Invitae), Labcorp
Classification: Uncertain significance for Pulmonary hypertension, primary, 2. Last evaluated: 2025-07-18. Review status: criteria provided, single submitter. Criteria: Invitae Variant Classification Sherloc (09022015). Collection method: clinical testing. Allele origin: germline.
Comment: This sequence change replaces alanine, which is neutral and non-polar, with threonine, which is neutral and polar, at codon 196 of the SMAD9 protein (p.Ala196Thr). This variant is present in population databases (rs531429163, gnomAD 0.005%). This variant has not been reported in the literature in individuals affected with SMAD9-related conditions. Invitae Evidence Modeling of protein sequence and biophysical properties (such as structural, functional, and spatial information, amino acid conservation, physicochemical variation, residue mobility, and thermodynamic stability) indicates that this missense variant is not expected to disrupt SMAD9 protein function with a negative predictive value of 80%. In summary, the available evidence is currently insufficient to determine the role of this variant in disease. Therefore, it has been classified as a Variant of Uncertain Significance.

NM_001127217.3(SMAD9):c.586G>A (p.Ala196Thr)

Gene: SMAD9 (SMAD family member 9; minus strand). Cytogenetic location: 13q13.3.
Variant type: single nucleotide variant.
Coding change: c.586G>A on transcript NM_001127217.3 (MANE Select); coding-DNA position 586, G replaced by A.
Protein change: p.Ala196Thr; replaces alanine 196 with threonine.
Molecular consequence: missense variant.
Genome position (GRCh38, 1-based): chr13:36,872,742, C>T on the plus strand (G>A on the coding strand, the complement: SMAD9 is on the minus strand). VCF-style: chr13-36872742-C-T. GRCh37 (hg19) VCF-style: chr13-37446879-C-T.
Other names: c.586G>A, p.Ala196Thr (NM_001378621.1, NM_005905.6); short protein forms A196T.
Identifiers: ClinVar variation 4766751 (VCV004766751.1).